The following is an entry in ClinVar:

NM_002335.4(LRP5):c.1517A>G (p.Asn506Ser)

Gene: LRP5 (LDL receptor related protein 5; plus strand). Cytogenetic location: 11q13.2.
Variant type: single nucleotide variant.
Coding change: c.1517A>G on transcript NM_002335.4 (MANE Select); coding-DNA position 1517, A replaced by G.
Protein change: p.Asn506Ser; replaces asparagine 506 with serine.
Molecular consequence: missense variant. On other transcripts: intron variant (1).
Genome position (GRCh38, 1-based): chr11:68,389,985, A>G. VCF-style: chr11-68389985-A-G. GRCh37 (hg19) VCF-style: chr11-68157453-A-G.
Other names: c.-354+3273A>G (NM_001291902.2); short protein forms N506S.
Identifiers: ClinVar variation 4293748 (VCV004293748.1).

ClinVar aggregate classification (germline): Uncertain significance (1 of 4 stars; one submission).

Conditions:
Osteoporosis with pseudoglioma (OPPG). Also called: osteoporosis-pseudoglioma syndrome. Identifiers: Orphanet 2788, MedGen C0432252, MONDO:0009820, OMIM 259770.

gnomAD v4.1: 2 of 1,614,180 alleles (0.00012%); highest among the groups gnomAD compares: Non-Finnish European, 0.00017%; no homozygotes.

Submission:

3billion
Classification: Uncertain significance for Osteoporosis with pseudoglioma. Last evaluated: 2024-08-21. Review status: criteria provided, single submitter. Criteria: ACMG Guidelines, 2015. Collection method: clinical testing. Allele origin: germline. Affected: yes.
Comment: The variant is observed at an extremely low frequency in the gnomAD v4.0.0 dataset (total allele frequency: <0.001%). Predicted Consequence/Location: Missense variant In silico tool predictions suggest damaging effect of the variant on gene or gene product [REVEL: 0.88 (>=0.6, sensitivity 0.68 and specificity 0.92); 3Cnet: 0.74 (>=0.6, sensitivity 0.72 and precision 0.9)]. Therefore, this variant is classified as VUS according to the recommendation of ACMG/AMP guideline.